The following is an entry in ClinVar:

ClinVar aggregate classification (germline): Likely benign (1 of 4 stars; one submission).

Conditions:
Hereditary diffuse gastric adenocarcinoma (HDGC). Also called: DIFFUSE GASTRIC AND LOBULAR BREAST CANCER SYNDROME. Identifiers: Orphanet 26106, MedGen C1708349, MONDO:0007648, OMIM 137215.

Submission:

Myriad Genetics, Inc.
Classification: Likely benign for Hereditary diffuse gastric adenocarcinoma. Last evaluated: 2024-09-23. Review status: criteria provided, single submitter. Criteria: Myriad Autosomal Dominant, Autosomal Recessive and X-Linked Classification Criteria (2023). Collection method: clinical testing. Allele origin: unknown.
Comment: This variant is considered likely benign. This variant is intronic and is not expected to impact mRNA splicing.

NM_004360.5(CDH1):c.2440-8T>C

Gene: CDH1 (cadherin 1; plus strand). Cytogenetic location: 16q22.1.
Variant type: single nucleotide variant.
Coding change: c.2440-8T>C on transcript NM_004360.5 (MANE Select); 8 bases into the intron before coding-DNA position 2440, T replaced by C.
Molecular consequence: intron variant.
Genome position (GRCh38, 1-based): chr16:68,833,282, T>C. VCF-style: chr16-68833282-T-C. GRCh37 (hg19) VCF-style: chr16-68867185-T-C.
Other names: c.892-8T>C (NM_001317185.2); c.475-8T>C (NM_001317186.2); c.2257-8T>C (NM_001317184.2).
Identifiers: ClinVar variation 3378562 (VCV003378562.1).